The following is an entry in ClinVar:

ClinVar aggregate classification (germline): Conflicting classifications of pathogenicity. Review status: criteria provided, conflicting classifications (1 of 4 stars). 5 submissions from 5 submitters: Uncertain significance (1); Benign (1); Likely benign (3). Last evaluated 2026-01-20.

Conditions:
Autosomal recessive axonal neuropathy with neuromyotonia (NMAN). Also called: Neuromyotonia and axonal neuropathy, autosomal recessive; MYOKYMIA, MYOTONIA, AND MUSCLE WASTING; Gamstorp-Wohlfart syndrome. Identifiers: Orphanet 324442, MedGen C5700127, MONDO:0007646, OMIM 137200.

Allele frequency attached by ClinVar (database versions not stated): gnomAD exomes 0.00025 and 0.00051; gnomAD 0.00032 and 0.00034; TOPMed 0.00035; ExAC 0.00049; ESP Exome Variant Server 0.00064.

Submissions (5):

Labcorp Genetics (formerly Invitae), Labcorp
Classification: Likely benign for Autosomal recessive axonal neuropathy with neuromyotonia. Last evaluated: 2026-01-20. Review status: criteria provided, single submitter. Criteria: Invitae Variant Classification Sherloc (09022015). Collection method: clinical testing. Allele origin: germline.

Mayo Clinic Laboratories, Mayo Clinic
Classification: Likely benign. Last evaluated: 2024-11-25. Review status: criteria provided, single submitter. Criteria: ACMG Guidelines, 2015. Collection method: clinical testing. Allele origin: germline. Observed: 3 variant alleles.
Comment: BA1

Blueprint Genetics
Classification: Uncertain significance. Last evaluated: 2024-09-30. Review status: criteria provided, single submitter. Criteria: ACMG Guidelines, 2015. Collection method: clinical testing. Allele origin: germline.

ARUP Laboratories, Molecular Genetics and Genomics, ARUP Laboratories
Classification: Benign for Autosomal recessive axonal neuropathy with neuromyotonia. Last evaluated: 2024-06-05. Review status: criteria provided, single submitter. Criteria: ARUP Molecular Germline Variant Investigation Process 2024. Collection method: clinical testing. Allele origin: germline.

GeneDx
Classification: Likely benign. Last evaluated: 2017-12-18. Review status: criteria provided, single submitter. Criteria: GeneDx Variant Classification (06012015). Collection method: clinical testing. Allele origin: germline. Affected: yes.
Comment: This variant is considered likely benign or benign based on one or more of the following criteria: it is a conservative change, it occurs at a poorly conserved position in the protein, it is predicted to be benign by multiple in silico algorithms, and/or has population frequency not consistent with disease.

NM_005340.7(HINT1):c.111+6_111+7insC

Gene: HINT1 (histidine triad nucleotide binding protein 1; minus strand). Cytogenetic location: 5q23.3.
Variant type: Insertion.
Coding change: c.111+6_111+7insC on transcript NM_005340.7 (MANE Select); bases 6 to 7 of the intron after coding-DNA position 111, C inserted.
Molecular consequence: intron variant. On other transcripts: non-coding transcript variant (2).
Genome position: GRCh38 VCF-style: chr5-131165088-T-TG. GRCh37 (hg19) VCF-style: chr5-130500781-T-TG.
Other names: p.?.
Identifiers: ClinVar variation 477394 (VCV000477394.17), dbSNP rs770851222, ClinGen allele CA3398655.